The following is an entry in ClinVar:

NM_006612.6(KIF1C):c.1134G>A (p.Met378Ile)

Gene: KIF1C (kinesin family member 1C; plus strand). Cytogenetic location: 17p13.2.
Variant type: single nucleotide variant.
Coding change: c.1134G>A on transcript NM_006612.6 (MANE Select); coding-DNA position 1134, G replaced by A.
Protein change: p.Met378Ile; replaces methionine 378 with isoleucine.
Molecular consequence: missense variant.
Genome position (GRCh38, 1-based): chr17:5,004,969, G>A. VCF-style: chr17-5004969-G-A. GRCh37 (hg19) VCF-style: chr17-4908264-G-A.
Other names: c.1134G>A (NM_006612.5); short protein forms M378I.
Identifiers: ClinVar variation 1954444 (VCV001954444.4), dbSNP rs778030228, ClinGen allele CA8318874.

ClinVar aggregate classification (germline): Uncertain significance. Review status: criteria provided, multiple submitters, no conflicts (2 of 4 stars). 2 submissions from 2 submitters: Uncertain significance (2). Last evaluated 2023-04-24.

Conditions:
Inborn genetic diseases. Identifiers: MedGen C0950123, MeSH D030342.
Spastic ataxia 2. Also called: Ataxia, spastic, 2, autosomal recessive. Identifiers: Orphanet 397946, MedGen C1969796, MONDO:0012651, OMIM 611302.

Allele frequency attached by ClinVar (database versions not stated): gnomAD 0.00001; gnomAD exomes 0.00001; TOPMed 0.00001; ExAC 0.00004.
gnomAD v4.1: 19 of 1,614,136 alleles (0.0012%); highest among the groups gnomAD compares: Admixed American, 0.013%; no homozygotes.

Submissions (2):

Ambry Genetics
Classification: Uncertain significance for Inborn genetic diseases. Last evaluated: 2023-04-24. Review status: criteria provided, single submitter. Criteria: Ambry Variant Classification Scheme 2023. Collection method: clinical testing. Allele origin: germline.

Labcorp Genetics (formerly Invitae), Labcorp
Classification: Uncertain significance for Spastic ataxia 2. Last evaluated: 2022-06-03. Review status: criteria provided, single submitter. Criteria: Invitae Variant Classification Sherloc (09022015). Collection method: clinical testing. Allele origin: germline.
Comment: This sequence change replaces methionine, which is neutral and non-polar, with isoleucine, which is neutral and non-polar, at codon 378 of the KIF1C protein (p.Met378Ile). This variant is present in population databases (rs778030228, gnomAD 0.02%). This variant has not been reported in the literature in individuals affected with KIF1C-related conditions. Algorithms developed to predict the effect of missense changes on protein structure and function (SIFT, PolyPhen-2, Align-GVGD) all suggest that this variant is likely to be tolerated. In summary, the available evidence is currently insufficient to determine the role of this variant in disease. Therefore, it has been classified as a Variant of Uncertain Significance.